The following is an entry in ClinVar:

ClinVar aggregate classification (germline): Likely benign. Review status: criteria provided, multiple submitters, no conflicts (2 of 4 stars). 2 submissions from 2 submitters: Likely benign (2). Last evaluated 2025-06-27.

Conditions:
COL18A1-related disorder. Also called: COL18A1-related disorders; COL18A1-related condition.

Allele frequency attached by ClinVar (database versions not stated): ExAC 0.00002; gnomAD exomes 0.00002.
gnomAD v4.1: 25 of 1,612,936 alleles (0.0015%); highest among the groups gnomAD compares: Middle Eastern, 0.017%; no homozygotes.

Submissions (2):

PreventionGenetics, part of Exact Sciences
Classification: Likely benign for COL18A1-related condition. Last evaluated: 2025-06-27. Review status: criteria provided, single submitter. Criteria: ACMG Guidelines, 2015. Collection method: clinical testing. Allele origin: germline.
Comment: This variant is classified as likely benign based on ACMG/AMP sequence variant interpretation guidelines (Richards et al. 2015 PMID: 25741868, with internal and published modifications).

Labcorp Genetics (formerly Invitae), Labcorp
Classification: Likely benign. Last evaluated: 2024-07-15. Review status: criteria provided, single submitter. Criteria: Invitae Variant Classification Sherloc (09022015). Collection method: clinical testing. Allele origin: germline.

NM_001379500.1(COL18A1):c.3144G>A (p.Glu1048=)

Genes: COL18A1 (collagen type XVIII alpha 1 chain; plus strand), SLC19A1 (solute carrier family 19 member 1; minus strand). Cytogenetic location: 21q22.3.
Variant type: single nucleotide variant.
Coding change: c.3144G>A on transcript NM_001379500.1 (MANE Select); coding-DNA position 3144, G replaced by A.
Protein change: p.Glu1048=; no amino-acid change (glutamic acid 1048 retained).
Molecular consequence: synonymous variant.
Genome position (GRCh38, 1-based): chr21:45,505,894, G>A. VCF-style: chr21-45505894-G-A. GRCh37 (hg19) VCF-style: chr21-46925808-G-A.
Other names: c.3675G>A (NM_030582.3); c.3675G>A, p.Glu1225= (NM_030582.4); c.4380G>A, p.Glu1460= (NM_130444.3).
Identifiers: ClinVar variation 1915941 (VCV001915941.6), dbSNP rs747833734, ClinGen allele CA10067728.
Genomic context (GRCh38, chr21:45,505,894, plus strand): 5'-GCAGGTGAGGCTCTGGGCTACACGCCAGGCCATGCTGGGCCAGGTGCACGAGGTTCCCGA[G>A]GGCTGGCTCATCTTCGTGGCCGAGCAGGAGGAGCTCTACGTCCGCGTGCAGAACGGGTTC-3'
Protein context (NP_001366429.1, residues 1038-1058): AMLGQVHEVP[Glu1048=]GWLIFVAEQE